The following is an entry in ClinVar:

NM_018136.5(ASPM):c.2751C>T (p.Ala917=)

Gene: ASPM (assembly factor for spindle microtubules; minus strand). Cytogenetic location: 1q31.3.
Variant type: single nucleotide variant.
Coding change: c.2751C>T on transcript NM_018136.5 (MANE Select); coding-DNA position 2751, C replaced by T.
Protein change: p.Ala917=; no amino-acid change (alanine 917 retained).
Molecular consequence: synonymous variant.
Genome position (GRCh38, 1-based): chr1:197,129,196, G>A on the plus strand (C>T on the coding strand, the complement: ASPM is on the minus strand). VCF-style: chr1-197129196-G-A. GRCh37 (hg19) VCF-style: chr1-197098326-G-A.
Other names: p.A917A:GCC>GCT; c.2751C>T, p.Ala917= (NM_001206846.2).
Identifiers: ClinVar variation 136424 (VCV000136424.19), dbSNP rs33987824, ClinGen allele CA171190.

ClinVar aggregate classification (germline): Benign/Likely benign. Review status: criteria provided, multiple submitters, no conflicts (2 of 4 stars). 8 submissions from 8 submitters: Benign (6); Likely benign (2). Last evaluated 2026-02-02.

Conditions:
Microcephaly 5, primary, autosomal recessive (MCPH5). Also called: ASPM Primary Microcephaly. Identifiers: Orphanet 2512, MedGen C1837501, MONDO:0012106, OMIM 608716.

Allele frequency attached by ClinVar (database versions not stated): 1000 Genomes Project 30x 0.00484; TOPMed 0.01161; ExAC 0.01554; gnomAD exomes 0.01495; gnomAD 0.01356 and 0.01382; 1000 Genomes Project 0.00459; ESP Exome Variant Server 0.01392.
gnomAD v4.1: 28,277 of 1,611,552 alleles (1.8%); highest among the groups gnomAD compares: Non-Finnish European, 2%; 318 homozygotes.

Submissions (8):

Labcorp Genetics (formerly Invitae), Labcorp
Classification: Benign. Last evaluated: 2026-02-02. Review status: criteria provided, single submitter. Criteria: Invitae Variant Classification Sherloc (09022015). Collection method: clinical testing. Allele origin: germline.

Genome-Nilou Lab
Classification: Benign for Microcephaly 5, primary, autosomal recessive. Last evaluated: 2023-04-11. Review status: criteria provided, single submitter. Criteria: ACMG Guidelines, 2015. Collection method: clinical testing. Allele origin: germline. Affected: no.

Illumina Laboratory Services, Illumina
Classification: Likely benign for Microcephaly 5, primary, autosomal recessive. Last evaluated: 2018-01-12. Review status: criteria provided, single submitter. Criteria: ICSL Variant Classification Criteria 13 December 2019. Collection method: clinical testing. Allele origin: germline.
Comment: This variant was observed in the ICSL laboratory as part of a predisposition screen in an ostensibly healthy population. It had not been previously curated by ICSL or reported in the Human Gene Mutation Database (HGMD: prior to June 1st, 2018), and was therefore a candidate for classification through an automated scoring system. Utilizing variant allele frequency, disease prevalence and penetrance estimates, and inheritance mode, an automated score was calculated to assess if this variant is too frequent to cause the disease. Based on the score and internal cut-off values, a variant classified as likely benign is not then subjected to further curation. The score for this variant resulted in a classification of likely benign for this disease.

Athena Diagnostics
Classification: Benign. Last evaluated: 2017-09-30. Review status: criteria provided, single submitter. Criteria: Athena Diagnostics Criteria. Collection method: clinical testing. Allele origin: germline.

GeneDx
Classification: Benign. Last evaluated: 2014-06-02. Review status: criteria provided, single submitter. Criteria: GeneDx Variant Classification (06012015). Collection method: clinical testing. Allele origin: germline. Affected: yes.
Comment: This variant is considered likely benign or benign based on one or more of the following criteria: it is a conservative change, it occurs at a poorly conserved position in the protein, it is predicted to be benign by multiple in silico algorithms, and/or has population frequency not consistent with disease.

Genetic Services Laboratory, University of Chicago
Classification: Benign. Last evaluated: 2013-02-08. Review status: criteria provided, single submitter. Criteria: ACMG Guidelines, 2007. Collection method: clinical testing. Allele origin: germline. Inheritance: Autosomal recessive inheritance.

Breakthrough Genomics
Classification: Likely benign. Review status: criteria provided, single submitter. Criteria: ACMG Guidelines, 2015. Collection method: not provided. Allele origin: germline. Inheritance: Autosomal recessive inheritance. Affected: yes.

PreventionGenetics, part of Exact Sciences
Classification: Benign. Review status: criteria provided, single submitter. Criteria: ACMG Guidelines, 2015. Collection method: clinical testing. Allele origin: germline.